The following is an entry in ClinVar:

ClinVar aggregate classification (germline): Uncertain significance (1 of 4 stars; one submission).

Allele frequency attached by ClinVar (database versions not stated): ExAC 0.00001; gnomAD exomes 0.00001; TOPMed 0.00001.
gnomAD v4.1: 4 of 1,613,964 alleles (0.00025%); highest among the groups gnomAD compares: Non-Finnish European, 0.00034%; no homozygotes.

Submission:

Ambry Genetics
Classification: Uncertain significance. Last evaluated: 2024-02-25. Review status: criteria provided, single submitter. Criteria: Ambry Variant Classification Scheme 2023. Collection method: clinical testing. Allele origin: germline.
Comment: The p.D1085E variant (also known as c.3255T>A), located in coding exon 16 of the POLQ gene, results from a T to A substitution at nucleotide position 3255. The aspartic acid at codon 1085 is replaced by glutamic acid, an amino acid with highly similar properties. This amino acid position is conserved. In addition, this alteration is predicted to be tolerated by in silico analysis. Since supporting evidence is limited at this time, the clinical significance of this alteration remains unclear.

NM_199420.4(POLQ):c.3255T>A (p.Asp1085Glu)

Gene: POLQ (DNA polymerase theta; minus strand). Cytogenetic location: 3q13.33.
Variant type: single nucleotide variant.
Coding change: c.3255T>A on transcript NM_199420.4 (MANE Select); coding-DNA position 3255, T replaced by A.
Protein change: p.Asp1085Glu; replaces aspartic acid 1085 with glutamic acid.
Molecular consequence: missense variant.
Genome position (GRCh38, 1-based): chr3:121,489,676, A>T on the plus strand (T>A on the coding strand, the complement: POLQ is on the minus strand). VCF-style: chr3-121489676-A-T. GRCh37 (hg19) VCF-style: chr3-121208523-A-T.
Other names: short protein forms D1085E.
Identifiers: ClinVar variation 1729459 (VCV001729459.2), dbSNP rs780274111, ClinGen allele CA2563088.